The following is an entry in ClinVar:

NM_000287.4(PEX6):c.187G>A (p.Gly63Ser)

Gene: PEX6 (peroxisomal biogenesis factor 6; minus strand). Cytogenetic location: 6p21.1.
Variant type: single nucleotide variant.
Coding change: c.187G>A on transcript NM_000287.4 (MANE Select); coding-DNA position 187, G replaced by A.
Protein change: p.Gly63Ser; replaces glycine 63 with serine.
Molecular consequence: missense variant. On other transcripts: non-coding transcript variant (1).
Genome position (GRCh38, 1-based): chr6:42,978,964, C>T on the plus strand (G>A on the coding strand, the complement: PEX6 is on the minus strand). VCF-style: chr6-42978964-C-T. GRCh37 (hg19) VCF-style: chr6-42946702-C-T.
Other names: c.187G>A, p.Gly63Ser (NM_001316313.2); short protein forms G63S.
Identifiers: ClinVar variation 1514563 (VCV001514563.6), dbSNP rs958375823, ClinGen allele CA138238655.

ClinVar aggregate classification (germline): Uncertain significance. Review status: criteria provided, multiple submitters, no conflicts (2 of 4 stars). 2 submissions from 2 submitters: Uncertain significance (2). Last evaluated 2025-12-19.

Conditions:
Peroxisome biogenesis disorder. Identifiers: Orphanet 79189, MedGen C1832200, MONDO:0019234. Disease mechanism: loss of function.
Peroxisome biogenesis disorder 4B (PBD4B). Also called: SPINOCEREBELLAR ATAXIA WITH BLINDNESS AND DEAFNESS 1. Identifiers: Orphanet 44, Orphanet 95433, MedGen C3553937, MONDO:0013931, OMIM 614863.

Allele frequency attached by ClinVar (database versions not stated): TOPMed 0.00002; gnomAD 0.00004.
gnomAD v4.1: 25 of 1,497,438 alleles (0.0017%); highest among the groups gnomAD compares: Middle Eastern, 0.071%; no homozygotes.

Submissions (2):

Dasa
Classification: Uncertain significance for Peroxisome biogenesis disorder 4B. Last evaluated: 2025-12-19. Review status: criteria provided, single submitter. Criteria: DASA Assertion Criteria. Collection method: clinical testing. Allele origin: germline.
Comment: NM_000287.4(PEX6):c.187G>A (p.Gly63Ser) is a missense variant that results in the substitution of glycine with serine. This variant is rare in population databases. The currently available literature and clinical evidence are not sufficient to establish a definitive association between this variant and the reported condition. Therefore, this variant is classified as a variant of uncertain significance.

Labcorp Genetics (formerly Invitae), Labcorp
Classification: Uncertain significance for Peroxisome biogenesis disorder. Last evaluated: 2023-11-27. Review status: criteria provided, single submitter. Criteria: Invitae Variant Classification Sherloc (09022015). Collection method: clinical testing. Allele origin: germline.
Comment: This sequence change replaces glycine, which is neutral and non-polar, with serine, which is neutral and polar, at codon 63 of the PEX6 protein (p.Gly63Ser). This variant is present in population databases (no rsID available, gnomAD no frequency). This variant has not been reported in the literature in individuals affected with PEX6-related conditions. ClinVar contains an entry for this variant (Variation ID: 1514563). An algorithm developed to predict the effect of missense changes on protein structure and function (PolyPhen-2) suggests that this variant¬†is likely to be tolerated. In summary, the available evidence is currently insufficient to determine the role of this variant in disease. Therefore, it has been classified as a Variant of Uncertain Significance.